The following is an entry in ClinVar:

NM_134261.3(RORA):c.604A>G (p.Asn202Asp)

Genes: RORA-AS1 (RORA antisense RNA 1; plus strand), RORA (RAR related orphan receptor A; minus strand). Cytogenetic location: 15q22.2.
Variant type: single nucleotide variant.
Coding change: c.604A>G on transcript NM_134261.3 (MANE Select); coding-DNA position 604, A replaced by G.
Protein change: p.Asn202Asp; replaces asparagine 202 with aspartic acid.
Molecular consequence: missense variant.
Genome position (GRCh38, 1-based): chr15:60,511,442, T>C on the plus strand (A>G on the coding strand, the complement: RORA is on the minus strand). VCF-style: chr15-60511442-T-C. GRCh37 (hg19) VCF-style: chr15-60803641-T-C.
Other names: c.679A>G, p.Asn227Asp (NM_002943.4); c.703A>G, p.Asn235Asp (NM_134260.3); c.439A>G, p.Asn147Asp (NM_134262.3); short protein forms N147D, N202D, N227D, N235D.
Identifiers: ClinVar variation 1297475 (VCV001297475.1), dbSNP rs2141320009, ClinGen allele CA392670759.

ClinVar aggregate classification (germline): Uncertain significance (1 of 4 stars; one submission).

Conditions:
Intellectual developmental disorder with or without epilepsy or cerebellar ataxia. Identifiers: MedGen C4748041, MONDO:0060745, OMIM 618060.

Submission:

Breda Genetics srl
Classification: Uncertain significance for Intellectual developmental disorder with or without epilepsy or cerebellar ataxia. Last evaluated: 2021-04-12. Review status: criteria provided, single submitter. Criteria: ACMG Guidelines, 2015. Collection method: clinical testing. Allele origin: germline. Inheritance: Autosomal dominant inheritance. Affected: yes. Observed: 1 variant allele, 1 heterozygote.
Comment: The variant c.604A>G (p.Asn202Asp) in the RORA gene has not been reported in dbSNP, gnomAD, 1000 Genomes Project or ClinVar. The nucleotide position is conserved across 35 mammalian species (GERP RS: 4.78). In silico analysis mostly indicates that the variant might be damaging.